The following is an entry in ClinVar:

ClinVar aggregate classification (germline): Conflicting classifications of pathogenicity. Review status: criteria provided, conflicting classifications (1 of 4 stars). 5 submissions from 5 submitters: Uncertain significance (1); Likely benign (4). Last evaluated 2025-06-12.

Conditions:
Multiple epiphyseal dysplasia, Al-Gazali type. Also called: Macrocephaly with multiple epiphyseal dysplasia and distinctive facies. Identifiers: Orphanet 166024, MedGen C1846722, MONDO:0011778, OMIM 607131.
Acrocallosal syndrome (ACLS). Also called: HALLUX DUPLICATION, POSTAXIAL POLYDACTYLY, AND ABSENCE OF CORPUS CALLOSUM; Schinzel syndrome 1; Absence of corpus callosum with unusual facial appearance, mental deficiency, duplication of the halluces and polydactyly. Identifiers: Orphanet 36, MedGen C0796147, MONDO:0008708, OMIM 200990.
Hydrolethalus syndrome 2 (HLS2). Identifiers: Orphanet 2189, MedGen C3279899, MONDO:0013585, OMIM 614120.

Allele frequency attached by ClinVar (database versions not stated): gnomAD 0.00009 and 0.00007; ExAC 0.00012; gnomAD exomes 0.00002; TOPMed 0.00007.

Submissions (5):

Labcorp Genetics (formerly Invitae), Labcorp
Classification: Likely benign for Acrocallosal syndrome. Last evaluated: 2025-06-12. Review status: criteria provided, single submitter. Criteria: Invitae Variant Classification Sherloc (09022015). Collection method: clinical testing. Allele origin: germline.

Blueprint Genetics
Classification: Likely benign. Last evaluated: 2024-08-22. Review status: criteria provided, single submitter. Criteria: ACMG Guidelines, 2015. Collection method: clinical testing. Allele origin: germline.

CeGaT Center for Human Genetics Tuebingen
Classification: Likely benign. Last evaluated: 2024-06-01. Review status: criteria provided, single submitter. Criteria: CeGaT Center For Human Genetics Tuebingen Variant Classification Criteria Version 2. Collection method: clinical testing. Allele origin: germline. Affected: yes. Observed: 2 variant alleles.
Comment: KIF7: BP4, BP7

Fulgent Genetics
Classification: Likely benign for Acrocallosal syndrome; Multiple epiphyseal dysplasia, Al-Gazali type; Hydrolethalus syndrome 2. Last evaluated: 2024-05-29. Review status: criteria provided, single submitter. Criteria: ACMG Guidelines, 2015. Collection method: clinical testing. Allele origin: germline.

Eurofins Ntd Llc (ga)
Classification: Uncertain significance. Last evaluated: 2016-06-28. Review status: criteria provided, single submitter. Criteria: EGL Classification Definitions 2015. Collection method: clinical testing. Allele origin: germline. Observed: 1 variant allele, 1 heterozygote.

NM_198525.3(KIF7):c.72A>C (p.Pro24=)

Gene: KIF7 (kinesin family member 7; minus strand). Cytogenetic location: 15q26.1.
Variant type: single nucleotide variant.
Coding change: c.72A>C on transcript NM_198525.3 (MANE Select); coding-DNA position 72, A replaced by C.
Protein change: p.Pro24=; no amino-acid change (proline 24 retained).
Molecular consequence: synonymous variant.
Genome position (GRCh38, 1-based): chr15:89,652,859, T>G on the plus strand (A>C on the coding strand, the complement: KIF7 is on the minus strand). VCF-style: chr15-89652859-T-G. GRCh37 (hg19) VCF-style: chr15-90196090-T-G.
Identifiers: ClinVar variation 288230 (VCV000288230.39), dbSNP rs773325406, ClinGen allele CA7728691.
Genomic context (GRCh38, chr15:89,652,859, plus strand): 5'-AAGCCCTGGCTCCACCTGCAGGCAGCTCTGATGCCCGTGCAGCAGCTCCTTGGGCAGCAG[T>G]GGTCGAACTCGCAGGGCAACCCGCACTGGGGCCTCCTCAGCCCCTGGCAGCCTCTGAGCC-3'
Protein context (NP_940927.2, residues 14-34): APVRVALRVR[Pro24=]LLPKELLHGH